The following is an entry in ClinVar:

NM_019892.6(INPP5E):c.332C>T (p.Pro111Leu)

Gene: INPP5E (inositol polyphosphate-5-phosphatase E; minus strand). Cytogenetic location: 9q34.3.
Variant type: single nucleotide variant.
Coding change: c.332C>T on transcript NM_019892.6 (MANE Select); coding-DNA position 332, C replaced by T.
Protein change: p.Pro111Leu; replaces proline 111 with leucine.
Molecular consequence: missense variant.
Genome position (GRCh38, 1-based): chr9:136,439,088, G>A on the plus strand (C>T on the coding strand, the complement: INPP5E is on the minus strand). VCF-style: chr9-136439088-G-A. GRCh37 (hg19) VCF-style: chr9-139333540-G-A.
Other names: c.332C>T, p.Pro111Leu (NM_001318502.2); short protein forms P111L.
Identifiers: ClinVar variation 4983070 (VCV004983070.1).

ClinVar aggregate classification (germline): Uncertain significance (1 of 4 stars; one submission).

Conditions:
INPP5E-related disorder. Also called: INPP5E-related condition.

Submission:

PreventionGenetics, part of Exact Sciences
Classification: Uncertain significance for INPP5E-related condition. Last evaluated: 2026-03-09. Review status: criteria provided, single submitter. Criteria: ACMG Guidelines, 2015. Collection method: clinical testing. Allele origin: germline.
Comment: The INPP5E c.332C>T variant is predicted to result in the amino acid substitution p.Pro111Leu. To our knowledge, this variant has not been reported in the literature or in a large population database (gnomAD), indicating this variant is rare. At this time, the clinical significance of this variant is uncertain due to the absence of conclusive functional and genetic evidence.